The following is an entry in ClinVar:

ClinVar aggregate classification (germline): Benign (1 of 4 stars; one submission).

Submission:

GeneDx
Classification: Benign. Last evaluated: 2018-06-14. Review status: criteria provided, single submitter. Criteria: GeneDx Variant Classification (06012015). Collection method: clinical testing. Allele origin: germline. Affected: yes.
Comment: This variant is considered likely benign or benign based on one or more of the following criteria: it is a conservative change, it occurs at a poorly conserved position in the protein, it is predicted to be benign by multiple in silico algorithms, and/or has population frequency not consistent with disease.

NM_001111125.3(IQSEC2):c.1000-259del

Gene: IQSEC2 (IQ motif and Sec7 domain ArfGEF 2; minus strand). Cytogenetic location: Xp11.22.
Variant type: Deletion.
Coding change: c.1000-259del on transcript NM_001111125.3 (MANE Select); 259 bases into the intron before coding-DNA position 1000, one base deleted (T; older notation c.1000-259delT).
Molecular consequence: intron variant.
Genome position (GRCh38, 1-based): chrX:53,255,190, A deleted on the plus strand (T on the coding strand, the reverse complement: IQSEC2 is on the minus strand); the first of 9 consecutive A bases (chrX:53,255,190-53,255,198); deleting any one gives the same sequence. VCF-style (leftmost placement, unchanged base first): chrX-53255189-CA-C. GRCh37 (hg19) VCF-style: chrX-53284371-CA-C.
Other names: c.385-259del (NM_015075.2).
Identifiers: ClinVar variation 669855 (VCV000669855.1), dbSNP rs61173462, ClinGen allele CA329167223.